The following is an entry in ClinVar:

NM_012398.3(PIP5K1C):c.692A>G (p.Lys231Arg)

Gene: PIP5K1C (phosphatidylinositol-4-phosphate 5-kinase type 1 gamma; minus strand). Cytogenetic location: 19p13.3.
Variant type: single nucleotide variant.
Coding change: c.692A>G on transcript NM_012398.3 (MANE Select); coding-DNA position 692, A replaced by G.
Protein change: p.Lys231Arg; replaces lysine 231 with arginine.
Molecular consequence: missense variant.
Genome position (GRCh38, 1-based): chr19:3,653,519, T>C on the plus strand (A>G on the coding strand, the complement: PIP5K1C is on the minus strand). VCF-style: chr19-3653519-T-C. GRCh37 (hg19) VCF-style: chr19-3653517-T-C.
Other names: c.692A>G, p.Lys231Arg (NM_001195733.2, NM_001300849.2); short protein forms K231R.
Identifiers: ClinVar variation 4861914 (VCV004861914.1).

ClinVar aggregate classification (germline): Uncertain significance (1 of 4 stars; one submission).

Conditions:
Inborn genetic diseases. Identifiers: MedGen C0950123, MeSH D030342.

gnomAD v4.1: 2 of 1,613,844 alleles (0.00012%); highest among the groups gnomAD compares: Middle Eastern, 0.016%; no homozygotes.

Submission:

Ambry Genetics
Classification: Uncertain significance for Inborn genetic diseases. Last evaluated: 2026-04-20. Review status: criteria provided, single submitter. Criteria: Ambry Variant Classification Scheme 2023. Collection method: clinical testing. Allele origin: germline.
Comment: The c.692A>G (p.K231R) alteration is located in exon 7 (coding exon 7) of the PIP5K1C gene. This alteration results from a A to G substitution at nucleotide position 692, causing the lysine (K) at amino acid position 231 to be replaced by an arginine (R). Based on data from gnomAD, the G allele has an overall frequency of <0.001% (1/250814) total alleles studied. The highest observed frequency was 0.005% (1/18386) of East Asian alleles. Based on insufficient or conflicting evidence, the clinical significance of this alteration remains unclear.